The following is an entry in ClinVar:

NM_001267550.2(TTN):c.13086G>A (p.Glu4362=)

Gene: TTN (titin; minus strand). Cytogenetic location: 2q31.2.
Variant type: single nucleotide variant.
Coding change: c.13086G>A on transcript NM_001267550.2 (MANE Select); coding-DNA position 13086, G replaced by A.
Protein change: p.Glu4362=; no amino-acid change (glutamic acid 4362 retained).
Molecular consequence: synonymous variant. On other transcripts: intron variant (1).
Genome position (GRCh38, 1-based): chr2:178,740,147, C>T on the plus strand (G>A on the coding strand, the complement: TTN is on the minus strand). VCF-style: chr2-178740147-C-T. GRCh37 (hg19) VCF-style: chr2-179604874-C-T.
Other names: c.12135G>A, p.Glu4045= (NM_001256850.1); c.11997G>A, p.Glu3999= (NM_003319.4); c.12372G>A, p.Glu4124= (NM_133432.3); c.12573G>A, p.Glu4191= (NM_133437.4); c.10361-1787G>A (NM_133378.4).
Identifiers: ClinVar variation 413208 (VCV000413208.19), dbSNP rs753471578, ClinGen allele CA2002624.

ClinVar aggregate classification (germline): Likely benign. Review status: criteria provided, multiple submitters, no conflicts (2 of 4 stars). 3 submissions from 3 submitters: Likely benign (3). Last evaluated 2026-06-01.

Conditions:
Cardiovascular phenotype. Identifiers: MedGen CN230736.
Autosomal recessive limb-girdle muscular dystrophy type 2J (LGMDR10). Also called: MUSCULAR DYSTROPHY, LIMB-GIRDLE, AUTOSOMAL RECESSIVE 10; Limb-girdle muscular dystrophy, type 2J. Identifiers: Orphanet 140922, MedGen C1837342, MONDO:0012127, OMIM 608807.
Dilated cardiomyopathy 1G (CMD1G). Identifiers: Orphanet 154, MedGen C1858763, MONDO:0011400, OMIM 604145.

Allele frequency attached by ClinVar (database versions not stated): gnomAD exomes 0.00002 and 0.00001; ExAC 0.00001; gnomAD 0.00001; TOPMed 0.00001.
gnomAD v4.1: 9 of 1,613,668 alleles (0.00056%); highest among the groups gnomAD compares: Admixed American, 0.015%; no homozygotes.

Submissions (3):

CeGaT Center for Human Genetics Tuebingen
Classification: Likely benign. Last evaluated: 2026-06-01. Review status: criteria provided, single submitter. Criteria: CeGaT Center For Human Genetics Tuebingen Variant Classification Criteria Version 2. Collection method: clinical testing. Allele origin: germline. Affected: yes. Observed: 2 variant alleles.
Comment: TTN: BP4, BP7

Labcorp Genetics (formerly Invitae), Labcorp
Classification: Likely benign for Dilated cardiomyopathy 1G; Autosomal recessive limb-girdle muscular dystrophy type 2J. Last evaluated: 2025-08-12. Review status: criteria provided, single submitter. Criteria: Invitae Variant Classification Sherloc (09022015). Collection method: clinical testing. Allele origin: germline.

Ambry Genetics
Classification: Likely benign for Cardiovascular phenotype. Last evaluated: 2021-04-19. Review status: criteria provided, single submitter. Criteria: Ambry Variant Classification Scheme 2023. Collection method: clinical testing. Allele origin: germline.